The following is an entry in ClinVar:

ClinVar aggregate classification (germline): Uncertain significance (1 of 4 stars; one submission).

Conditions:
Leukodystrophy, hypomyelinating, 11. Identifiers: Orphanet 88637, MedGen C4225305, MONDO:0014666, OMIM 616494.

Submission:

Neuberg Centre For Genomic Medicine, NCGM
Classification: Uncertain significance for Leukodystrophy, hypomyelinating, 11. Review status: criteria provided, single submitter. Criteria: ACMG Guidelines, 2015. Collection method: clinical testing. Allele origin: germline. Inheritance: Autosomal recessive inheritance. Affected: yes.
Comment: The missense variant in c.325C>A (p.Arg109Ser) in POLR1C gene has not been reported previously as a pathogenic variant nor as a benign variant, to our knowledge. The p.Arg109Ser variant is novel (not in any individuals) in gnomAD Exomes and 1000 Genomes. The amino acid Arg at position 109 is changed to a Ser changing protein sequence and it might alter its composition and physico-chemical properties. The amino acid change p.Arg109Ser in POLR1C is predicted as conserved by GERP++ and PhyloP across 100 vertebrates. Another missense R109H has been reported (Yan et al). For these reasons, this variant has been classified as uncertain significance.

NM_203290.4(POLR1C):c.325C>A (p.Arg109Ser)

Gene: POLR1C (RNA polymerase I and III subunit C; plus strand). Cytogenetic location: 6p21.1.
Variant type: single nucleotide variant.
Coding change: c.325C>A on transcript NM_203290.4 (MANE Select); coding-DNA position 325, C replaced by A.
Protein change: p.Arg109Ser; replaces arginine 109 with serine.
Molecular consequence: missense variant.
Genome position (GRCh38, 1-based): chr6:43,519,781, C>A. VCF-style: chr6-43519781-C-A. GRCh37 (hg19) VCF-style: chr6-43487519-C-A.
Other names: c.325C>A, p.Arg109Ser (NM_001318876.2, NM_001363658.2); short protein forms R109S.
Identifiers: ClinVar variation 2585597 (VCV002585597.1), dbSNP rs1255115751, ClinGen allele CA364282854.